The following is an entry in ClinVar:

GRCh38/hg38 4q35.2(chr4:187528920-188139456)x3

Genes: LINC02492 (long intergenic non-protein coding RNA 2492; minus strand), TRIML1 (tripartite motif family like 1; plus strand), TRIML2 (tripartite motif family like 2; minus strand), ZFP42 (ZFP42 zinc finger protein; plus strand), LOC105377603 (uncharacterized LOC105377603; plus strand) and 6 more. Cytogenetic location: 4q35.2.
Variant type: copy number gain.
Change: copy number 3 (three copies instead of two) of chr4:187,528,920-188,139,456 (610.5 kb, GRCh38 coordinates, 1-based), cytogenetic band 4q35.2.
Identifiers: ClinVar variation 155362 (VCV000155362.2).

ClinVar aggregate classification (germline): conflicting data from submitters (0 of 4 stars; one submission).

Submission:

ISCA site 1
Classification: conflicting data from submitters. Last evaluated: 2015-08-26. Review status: no assertion criteria provided. Collection method: clinical testing. Allele origin: unknown. Affected: yes. Observed: 2 variant alleles.
Comment: Uncertain significance(1), Likely benign (1)

Copy number variation identified through the course of routine clinical cytogenomic testing in postnatal populations, with clinical assertions as classified by the original submitter. For data from the original published study, Kaminsky, et al. 2011 (PubMed 21844811), please see nstd101.